The following is an entry in ClinVar:

NM_000089.4(COL1A2):c.3835A>T (p.Met1279Leu)

Gene: COL1A2 (collagen type I alpha 2 chain; plus strand). Cytogenetic location: 7q21.3.
Variant type: single nucleotide variant.
Coding change: c.3835A>T on transcript NM_000089.4 (MANE Select); coding-DNA position 3835, A replaced by T.
Protein change: p.Met1279Leu; replaces methionine 1279 with leucine.
Molecular consequence: missense variant.
Genome position (GRCh38, 1-based): chr7:94,429,311, A>T. VCF-style: chr7-94429311-A-T. GRCh37 (hg19) VCF-style: chr7-94058623-A-T.
Other names: short protein forms M1279L.
Identifiers: ClinVar variation 2940150 (VCV002940150.4), dbSNP rs775850964, ClinGen allele CA368226855.

ClinVar aggregate classification (germline): Uncertain significance. Review status: criteria provided, multiple submitters, no conflicts (2 of 4 stars). 2 submissions from 2 submitters: Uncertain significance (2). Last evaluated 2026-03-05.

Conditions:
Ehlers-Danlos syndrome, classic type, 1 (EDSCL1). Also called: Ehlers-Danlos syndrome, type 1; Ehlers-Danlos Syndrome, Classic Type, COL5A1-Related; EDS I; EHLERS-DANLOS SYNDROME, GRAVIS TYPE; EHLERS-DANLOS SYNDROME, SEVERE CLASSIC TYPE. Identifiers: MedGen C0268335, MONDO:0019567, OMIM 130000.
Osteogenesis imperfecta type I (OI1). Also called: Lobstein's Disease; Lobstein disease; Classic Non-deforming Osteogenesis Imperfecta with Blue Sclerae; OI, TYPE I; OSTEOGENESIS IMPERFECTA TARDA; OSTEOGENESIS IMPERFECTA WITH BLUE SCLERAE. Identifiers: Orphanet 216796, Orphanet 666, MedGen C0023931, MONDO:0008146, OMIM 166200. Disease mechanism: loss of function.

Submissions (2):

GeneDx
Classification: Uncertain significance. Last evaluated: 2026-03-05. Review status: criteria provided, single submitter. Criteria: GeneDx Variant Classification Process June 2021. Collection method: clinical testing. Allele origin: germline.
Comment: Not observed at significant frequency in large population cohorts (gnomAD); In silico analysis suggests that this missense variant does not alter protein structure/function; Has not been previously published as pathogenic or benign to our knowledge; Not located in the triple helical region, where the majority of pathogenic missense variants occur (HGMD)

Labcorp Genetics (formerly Invitae), Labcorp
Classification: Uncertain significance for Osteogenesis imperfecta type I; Ehlers-Danlos syndrome, classic type, 1. Last evaluated: 2023-01-15. Review status: criteria provided, single submitter. Criteria: Invitae Variant Classification Sherloc (09022015). Collection method: clinical testing. Allele origin: germline.
Comment: In summary, the available evidence is currently insufficient to determine the role of this variant in disease. Therefore, it has been classified as a Variant of Uncertain Significance. Advanced modeling of protein sequence and biophysical properties (such as structural, functional, and spatial information, amino acid conservation, physicochemical variation, residue mobility, and thermodynamic stability) performed at Invitae indicates that this missense variant is not expected to disrupt COL1A2 protein function. This variant has not been reported in the literature in individuals affected with COL1A2-related conditions. This variant is not present in population databases (gnomAD no frequency). This sequence change replaces methionine, which is neutral and non-polar, with leucine, which is neutral and non-polar, at codon 1279 of the COL1A2 protein (p.Met1279Leu).